The following is an entry in ClinVar:

NM_000088.4(COL1A1):c.3727G>A (p.Glu1243Lys)

Gene: COL1A1 (collagen type I alpha 1 chain; minus strand). Cytogenetic location: 17q21.33.
Variant type: single nucleotide variant.
Coding change: c.3727G>A on transcript NM_000088.4 (MANE Select); coding-DNA position 3727, G replaced by A.
Protein change: p.Glu1243Lys; replaces glutamic acid 1243 with lysine.
Molecular consequence: missense variant.
Genome position (GRCh38, 1-based): chr17:50,186,727, C>T on the plus strand (G>A on the coding strand, the complement: COL1A1 is on the minus strand). VCF-style: chr17-50186727-C-T. GRCh37 (hg19) VCF-style: chr17-48264088-C-T.
Other names: short protein forms E1243K.
Identifiers: ClinVar variation 1351029 (VCV001351029.9), dbSNP rs373777457, ClinGen allele CA8644371.
Genomic context (GRCh38, chr17:50,186,727, plus strand): 5'-TGAGGTCACGGCAGGTGCGGGCGGGGTTCTTGCGGCTGCCCTCTGGGCTCCGGATGTTCT[C>T]GATCTGCTGGCTCAGGCTCTTGAGGGTGGTGTCCACCTCGAGGTCACGGTCACGAACCAC-3'
Protein context (NP_000079.2, residues 1233-1253): TTLKSLSQQI[Glu1243Lys]NIRSPEGSRK

ClinVar aggregate classification (germline): Uncertain significance. Review status: criteria provided, multiple submitters, no conflicts (2 of 4 stars). 2 submissions from 2 submitters: Uncertain significance (2). Last evaluated 2025-08-03.

Conditions:
Osteogenesis imperfecta type I (OI1). Also called: Classic Non-deforming Osteogenesis Imperfecta with Blue Sclerae; Osteogenesis imperfecta type 1; OI, TYPE I; OSTEOGENESIS IMPERFECTA TARDA; OSTEOGENESIS IMPERFECTA WITH BLUE SCLERAE; Lobstein disease. Identifiers: Orphanet 216796, Orphanet 666, MedGen C0023931, MONDO:0008146, OMIM 166200. Disease mechanism: loss of function.

Allele frequency attached by ClinVar (database versions not stated): ExAC 0.00001; gnomAD exomes 0.00001; TOPMed 0.00002; gnomAD 0.00003; ESP Exome Variant Server 0.00008.
gnomAD v4.1: 15 of 1,613,686 alleles (0.00093%); highest among the groups gnomAD compares: African/African-American, 0.0053%; no homozygotes.

Submissions (2):

Labcorp Genetics (formerly Invitae), Labcorp
Classification: Uncertain significance for Osteogenesis imperfecta type I. Last evaluated: 2025-08-03. Review status: criteria provided, single submitter. Criteria: Invitae Variant Classification Sherloc (09022015). Collection method: clinical testing. Allele origin: germline.
Comment: This sequence change replaces glutamic acid, which is acidic and polar, with lysine, which is basic and polar, at codon 1243 of the COL1A1 protein (p.Glu1243Lys). This variant is present in population databases (rs373777457, gnomAD 0.006%). This variant has not been reported in the literature in individuals affected with COL1A1-related conditions. ClinVar contains an entry for this variant (Variation ID: 1351029). Invitae Evidence Modeling of protein sequence and biophysical properties (such as structural, functional, and spatial information, amino acid conservation, physicochemical variation, residue mobility, and thermodynamic stability) indicates that this missense variant is expected to disrupt COL1A1 protein function with a positive predictive value of 95%. In summary, the available evidence is currently insufficient to determine the role of this variant in disease. Therefore, it has been classified as a Variant of Uncertain Significance.

GeneDx
Classification: Uncertain significance. Last evaluated: 2022-05-18. Review status: criteria provided, single submitter. Criteria: GeneDx Variant Classification Process June 2021. Collection method: clinical testing. Allele origin: germline. Affected: yes.
Comment: Has not been previously published as pathogenic or benign to our knowledge; Not observed at significant frequency in large population cohorts (gnomAD); In silico analysis supports that this missense variant has a deleterious effect on protein structure/function; Not located in the triple helical region, where the majority of pathogenic missense variants occur (HGMD)